The following is an entry in ClinVar:

ClinVar aggregate classification (germline): Uncertain significance (1 of 4 stars; one submission).

Allele frequency attached by ClinVar (database versions not stated): gnomAD 0.00001; TOPMed 0.00001; gnomAD exomes 0.00001.
gnomAD v4.1: 16 of 1,614,048 alleles (0.00099%); highest among the groups gnomAD compares: East Asian, 0.0067%; no homozygotes.

Submission:

Labcorp Genetics (formerly Invitae), Labcorp
Classification: Uncertain significance. Last evaluated: 2024-12-30. Review status: criteria provided, single submitter. Criteria: Invitae Variant Classification Sherloc (09022015). Collection method: clinical testing. Allele origin: germline.
Comment: This sequence change replaces valine, which is neutral and non-polar, with isoleucine, which is neutral and non-polar, at codon 183 of the MYO5B protein (p.Val183Ile). This variant is present in population databases (no rsID available, gnomAD 0.002%). This variant has not been reported in the literature in individuals affected with MYO5B-related conditions. ClinVar contains an entry for this variant (Variation ID: 1403696). Invitae Evidence Modeling of protein sequence and biophysical properties (such as structural, functional, and spatial information, amino acid conservation, physicochemical variation, residue mobility, and thermodynamic stability) has been performed for this missense variant. However, the output from this modeling did not meet the statistical confidence thresholds required to predict the impact of this variant on MYO5B protein function. In summary, the available evidence is currently insufficient to determine the role of this variant in disease. Therefore, it has been classified as a Variant of Uncertain Significance.

NM_001080467.3(MYO5B):c.547G>A (p.Val183Ile)

Gene: MYO5B (myosin VB; minus strand). Cytogenetic location: 18q21.1.
Variant type: single nucleotide variant.
Coding change: c.547G>A on transcript NM_001080467.3 (MANE Select); coding-DNA position 547, G replaced by A.
Protein change: p.Val183Ile; replaces valine 183 with isoleucine.
Molecular consequence: missense variant.
Genome position (GRCh38, 1-based): chr18:50,001,320, C>T on the plus strand (G>A on the coding strand, the complement: MYO5B is on the minus strand). VCF-style: chr18-50001320-C-T. GRCh37 (hg19) VCF-style: chr18-47527690-C-T.
Other names: short protein forms V183I.
Identifiers: ClinVar variation 1403696 (VCV001403696.4), dbSNP rs1315378123, ClinGen allele CA402439887.